The following is an entry in ClinVar:

ClinVar aggregate classification (germline): Benign/Likely benign. Review status: criteria provided, multiple submitters, no conflicts (2 of 4 stars). 4 submissions from 4 submitters: Benign (1); Likely benign (3). Last evaluated 2025-07-20.

Conditions:
Hereditary cancer-predisposing syndrome. Also called: Hereditary neoplastic syndrome; Neoplastic Syndromes, Hereditary; Tumor predisposition; Hereditary Cancer Syndrome. Identifiers: Orphanet 140162, MedGen C0027672, MeSH D009386, MONDO:0015356.
Tuberous sclerosis 1 (TSC1). Identifiers: Orphanet 805, MedGen C1854465, MONDO:0008612, OMIM 191100.

Allele frequency attached by ClinVar (database versions not stated): gnomAD exomes below 0.00001.
gnomAD v4.1: 1 of 1,614,206 alleles (0.000062%); highest among the groups gnomAD compares: Non-Finnish European, 0.000085%; no homozygotes.

Submissions (4):

Labcorp Genetics (formerly Invitae), Labcorp
Classification: Likely benign for Tuberous sclerosis 1. Last evaluated: 2025-07-20. Review status: criteria provided, single submitter. Criteria: Invitae Variant Classification Sherloc (09022015). Collection method: clinical testing. Allele origin: germline.

Myriad Genetics, Inc.
Classification: Benign for Tuberous sclerosis 1. Last evaluated: 2025-04-30. Review status: criteria provided, single submitter. Criteria: Myriad Autosomal Dominant, Autosomal Recessive and X-Linked Classification Criteria (2023). Collection method: clinical testing. Allele origin: unknown.
Comment: This variant is considered benign. This variant is a silent/synonymous amino acid change and it is not expected to impact splicing.

Genome-Nilou Lab
Classification: Likely benign for Tuberous sclerosis 1. Last evaluated: 2021-11-07. Review status: criteria provided, single submitter. Criteria: ACMG Guidelines, 2015. Collection method: clinical testing. Allele origin: germline. Affected: no.

Ambry Genetics
Classification: Likely benign for Hereditary cancer-predisposing syndrome. Last evaluated: 2017-06-14. Review status: criteria provided, single submitter. Criteria: Ambry Variant Classification Scheme 2023. Collection method: clinical testing. Allele origin: germline.

NM_000368.5(TSC1):c.3453A>G (p.Leu1151=)

Gene: TSC1 (TSC complex subunit 1; minus strand). Cytogenetic location: 9q34.13.
Variant type: single nucleotide variant.
Coding change: c.3453A>G on transcript NM_000368.5 (MANE Select); coding-DNA position 3453, A replaced by G.
Protein change: p.Leu1151=; no amino-acid change (leucine 1151 retained).
Molecular consequence: synonymous variant.
Genome position (GRCh38, 1-based): chr9:132,896,277, T>C on the plus strand (A>G on the coding strand, the complement: TSC1 is on the minus strand). VCF-style: chr9-132896277-T-C. GRCh37 (hg19) VCF-style: chr9-135771664-T-C.
Other names: c.3450A>G, p.Leu1150= (NM_001162426.2); c.3300A>G, p.Leu1100= (NM_001162427.2); c.3090A>G, p.Leu1030= (NM_001362177.2).
Identifiers: ClinVar variation 466138 (VCV000466138.19), dbSNP rs1554812550, ClinGen allele CA467812857.